The following is an entry in ClinVar:

NM_002878.4(RAD51D):c.258T>G (p.Ile86Met)

Genes: RAD51L3-RFFL (RAD51L3-RFFL readthrough; minus strand), RAD51D (RAD51 paralog D; minus strand). Cytogenetic location: 17q12.
Variant type: single nucleotide variant.
Coding change: c.258T>G on transcript NM_002878.4 (MANE Select); coding-DNA position 258, T replaced by G.
Protein change: p.Ile86Met; replaces isoleucine 86 with methionine.
Molecular consequence: missense variant. On other transcripts: intron variant (2).
Genome position (GRCh38, 1-based): chr17:35,118,506, A>C on the plus strand (T>G on the coding strand, the complement: RAD51D is on the minus strand). VCF-style: chr17-35118506-A-C. GRCh37 (hg19) VCF-style: chr17-33445525-A-C.
Other names: c.144+605T>G (NM_133629.3, NM_001142571.2); short protein forms I86M.
Identifiers: ClinVar variation 2117755 (VCV002117755.4), dbSNP rs2142473544, ClinGen allele CA399091183.

ClinVar aggregate classification (germline): Uncertain significance (1 of 4 stars; one submission).

Conditions:
Breast-ovarian cancer, familial, susceptibility to, 4. Identifiers: Orphanet 145, MedGen C3280345, MONDO:0013669, OMIM 614291.

Submission:

Labcorp Genetics (formerly Invitae), Labcorp
Classification: Uncertain significance for Breast-ovarian cancer, familial, susceptibility to, 4. Last evaluated: 2022-03-30. Review status: criteria provided, single submitter. Criteria: Invitae Variant Classification Sherloc (09022015). Collection method: clinical testing. Allele origin: germline.
Comment: This sequence change replaces isoleucine, which is neutral and non-polar, with methionine, which is neutral and non-polar, at codon 86 of the RAD51D protein (p.Ile86Met). This variant is not present in population databases (gnomAD no frequency). This variant has not been reported in the literature in individuals affected with RAD51D-related conditions. Algorithms developed to predict the effect of missense changes on protein structure and function (SIFT, PolyPhen-2, Align-GVGD) all suggest that this variant is likely to be tolerated. In summary, the available evidence is currently insufficient to determine the role of this variant in disease. Therefore, it has been classified as a Variant of Uncertain Significance.